The following is an entry in ClinVar:

ClinVar aggregate classification (germline): Uncertain significance (1 of 4 stars; one submission).

Submission:

Labcorp Genetics (formerly Invitae), Labcorp
Classification: Uncertain significance. Last evaluated: 2024-09-09. Review status: criteria provided, single submitter. Criteria: Invitae Variant Classification Sherloc (09022015). Collection method: clinical testing. Allele origin: germline.
Comment: This sequence change creates a premature translational stop signal (p.Gln501*) in the GUCY2C gene. It is expected to result in an absent or disrupted protein product. However, the current clinical and genetic evidence is not sufficient to establish whether loss-of-function variants in GUCY2C cause disease. This variant is not present in population databases (gnomAD no frequency). This variant has not been reported in the literature in individuals affected with GUCY2C-related conditions. Algorithms developed to predict the effect of sequence changes on RNA splicing suggest that this variant may disrupt the consensus splice site. In summary, the available evidence is currently insufficient to determine the role of this variant in disease. Therefore, it has been classified as a Variant of Uncertain Significance.

NM_004963.4(GUCY2C):c.1501C>T (p.Gln501Ter)

Gene: GUCY2C (guanylate cyclase 2C; minus strand). Cytogenetic location: 12p12.3.
Variant type: single nucleotide variant.
Coding change: c.1501C>T on transcript NM_004963.4 (MANE Select); coding-DNA position 1501, C replaced by T.
Protein change: p.Gln501Ter; replaces glutamine 501 with a stop codon.
Molecular consequence: nonsense.
Genome position (GRCh38, 1-based): chr12:14,652,984, G>A on the plus strand (C>T on the coding strand, the complement: GUCY2C is on the minus strand). VCF-style: chr12-14652984-G-A. GRCh37 (hg19) VCF-style: chr12-14805918-G-A.
Other names: short protein forms Q501*.
Identifiers: ClinVar variation 3667527 (VCV003667527.2).
Genomic context (GRCh38, chr12:14,652,984, plus strand): 5'-GAGAGTTCAGAGAAGTGGGAGAGGTCACCTTTTTGTCGTATTTGCACTGTCGTAGTCTCT[G>A]GATTGTATCTCGTCTTTTGTCATCATCGATCTGGCACAAGAAAAGGCTAATTATTCCAGA-3'